The following is an entry in ClinVar:

NM_002439.5(MSH3):c.1360C>T (p.Arg454Ter)

Gene: MSH3 (mutS homolog 3; plus strand). Cytogenetic location: 5q14.1.
Variant type: single nucleotide variant.
Coding change: c.1360C>T on transcript NM_002439.5 (MANE Select); coding-DNA position 1360, C replaced by T.
Protein change: p.Arg454Ter; replaces arginine 454 with a stop codon.
Molecular consequence: nonsense.
Genome position (GRCh38, 1-based): chr5:80,725,472, C>T. VCF-style: chr5-80725472-C-T. GRCh37 (hg19) VCF-style: chr5-80021291-C-T.
Other names: short protein forms R454*.
Identifiers: ClinVar variation 644460 (VCV000644460.22), dbSNP rs539295465, ClinGen allele CA3327883.

ClinVar aggregate classification (germline): Pathogenic/Likely pathogenic. Review status: criteria provided, multiple submitters, no conflicts (2 of 4 stars). 8 submissions from 8 submitters: Pathogenic (5); Likely pathogenic (3). Last evaluated 2025-10-21.

Conditions:
Familial adenomatous polyposis 4 (FAP4). Also called: MSH3-related attenuated familial adenomatous polyposis. Identifiers: Orphanet 480536, MedGen C4310719, MONDO:0044300, OMIM 617100.
Hereditary cancer-predisposing syndrome. Also called: Neoplastic Syndromes, Hereditary; Tumor predisposition; Hereditary neoplastic syndrome; Hereditary Cancer Syndrome. Identifiers: Orphanet 140162, MedGen C0027672, MeSH D009386, MONDO:0015356.
Endometrial carcinoma. Also called: Endometrial carcinoma, somatic. Identifiers: MedGen C0476089, MONDO:0002447, OMIM 608089, HP:0012114.

Allele frequency attached by ClinVar (database versions not stated): TOPMed below 0.00001; gnomAD 0.00001; gnomAD exomes 0.00003; ExAC 0.00004; 1000 Genomes Project 30x 0.00016; 1000 Genomes Project 0.00020.
gnomAD v4.1: 20 of 1,613,002 alleles (0.0012%); highest among the groups gnomAD compares: East Asian, 0.013%; no homozygotes.

Submissions (8):

Labcorp Genetics (formerly Invitae), Labcorp
Classification: Pathogenic. Last evaluated: 2025-10-21. Review status: criteria provided, single submitter. Criteria: Invitae Variant Classification Sherloc (09022015). Collection method: clinical testing. Allele origin: germline.
Comment: This sequence change creates a premature translational stop signal (p.Arg454*) in the MSH3 gene. It is expected to result in an absent or disrupted protein product. Loss-of-function variants in MSH3 are known to be pathogenic (PMID: 27476653, 37402566). This variant is present in population databases (rs539295465, gnomAD 0.03%). This variant has not been reported in the literature in individuals affected with MSH3-related conditions. ClinVar contains an entry for this variant (Variation ID: 644460). For these reasons, this variant has been classified as Pathogenic.

Ambry Genetics
Classification: Pathogenic for Hereditary cancer-predisposing syndrome. Last evaluated: 2025-02-07. Review status: criteria provided, single submitter. Criteria: Ambry Variant Classification Scheme 2023. Collection method: clinical testing. Allele origin: germline.
Comment: The p.R454* pathogenic mutation (also known as c.1360C>T), located in coding exon 9 of the MSH3 gene, results from a C to T substitution at nucleotide position 1360. This changes the amino acid from an arginine to a stop codon within coding exon 9. This alteration is expected to result in loss of function by premature protein truncation or nonsense-mediated mRNA decay. As such, this alteration is interpreted as a disease-causing mutation.

Genetic Services Laboratory, University of Chicago
Classification: Likely pathogenic. Last evaluated: 2024-08-06. Review status: criteria provided, single submitter. Criteria: ACMG Guidelines, 2015. Collection method: clinical testing. Allele origin: germline. Affected: yes.
Comment: DNA sequence analysis of the MSH3 gene demonstrated a sequence change, c.1360C>T, which results in the creation of a premature stop codon at amino acid position 454, p.Arg454*. This pathogenic sequence change is predicted to result in an abnormal transcript, which may be degraded, or may lead to the production of a truncated MSH3 protein with potentially abnormal function. This sequence change has been described in the gnomAD database with a frequency of 0.001% in the global population (dbSNP rs539295465). While this sequence change has not previously been described in the literature, other loss-of-function variants in the MSH3 gene have been described in individuals with MSH3 -related disorders (PMID: 27476653, 37402566). Collectively, this evidence indicates that this sequence change is likely pathogenic, however functional studies have not been performed to prove this conclusively.

Baylor Genetics
Classification: Likely pathogenic for Endometrial carcinoma. Last evaluated: 2024-02-28. Review status: criteria provided, single submitter. Criteria: ACMG Guidelines, 2015. Collection method: clinical testing. Allele origin: unknown.

Fulgent Genetics
Classification: Likely pathogenic for Endometrial carcinoma; Familial adenomatous polyposis 4. Last evaluated: 2024-02-22. Review status: criteria provided, single submitter. Criteria: ACMG Guidelines, 2015. Collection method: clinical testing. Allele origin: germline.

Myriad Genetics, Inc.
Classification: Pathogenic for Familial adenomatous polyposis 4. Last evaluated: 2023-08-29. Review status: criteria provided, single submitter. Criteria: Myriad Autosomal Dominant, Autosomal Recessive and X-Linked Classification Criteria (2023). Collection method: clinical testing. Allele origin: unknown.
Comment: This variant is considered pathogenic. This variant creates a termination codon and is predicted to result in premature protein truncation.

Department of Pathology and Laboratory Medicine, Sinai Health System
Classification: Pathogenic for Endometrial carcinoma; Familial adenomatous polyposis 4. Last evaluated: 2023-05-02. Review status: criteria provided, single submitter. Criteria: ACMG Guidelines, 2015. Collection method: clinical testing. Allele origin: germline. Affected: no.

MGZ Medical Genetics Center
Classification: Pathogenic for Familial adenomatous polyposis 4. Last evaluated: 2021-09-29. Review status: criteria provided, single submitter. Criteria: ACMG Guidelines, 2015. Collection method: clinical testing. Allele origin: germline. Affected: yes. Observed: 1 variant allele.
Comment: ACMG criteria applied: PVS1, PM3, PM2_SUP

Literature cited by the submitters: PubMed 27476653 (cited by Labcorp Genetics (formerly Invitae), Labcorp); PubMed 37402566 (cited by Labcorp Genetics (formerly Invitae), Labcorp).